The following is an entry in ClinVar:

NM_147127.5(EVC2):c.3490G>T (p.Glu1164Ter)

Gene: EVC2 (EvC ciliary complex subunit 2; minus strand). Cytogenetic location: 4p16.2.
Variant type: single nucleotide variant.
Coding change: c.3490G>T on transcript NM_147127.5 (MANE Select); coding-DNA position 3490, G replaced by T.
Protein change: p.Glu1164Ter; replaces glutamic acid 1164 with a stop codon.
Molecular consequence: nonsense.
Genome position (GRCh38, 1-based): chr4:5,568,511, C>A on the plus strand (G>T on the coding strand, the complement: EVC2 is on the minus strand). VCF-style: chr4-5568511-C-A. GRCh37 (hg19) VCF-style: chr4-5570238-C-A.
Other names: c.3250G>T, p.Glu1084Ter (NM_001166136.2); short protein forms E1084*, E1164*.
Identifiers: ClinVar variation 5013463 (VCV005013463.1).

ClinVar aggregate classification (germline): Pathogenic (1 of 4 stars; one submission).

Conditions:
Ellis-van Creveld syndrome (EVC). Also called: MESOECTODERMAL DYSPLASIA; Chondroectodermal dysplasia. Identifiers: Orphanet 289, MedGen C0013903, MONDO:0009162, OMIM 225500.

gnomAD v4.1: 2 of 1,589,734 alleles (0.00013%); highest among the groups gnomAD compares: Non-Finnish European, 0.00017%; no homozygotes.

Submission:

Myriad Genetics, Inc.
Classification: Pathogenic for Ellis-van Creveld syndrome. Last evaluated: 2024-08-19. Review status: criteria provided, single submitter. Criteria: Myriad Autosomal Dominant, Autosomal Recessive and X-Linked Classification Criteria (2023). Collection method: clinical testing. Allele origin: unknown.
Comment: NM_147127.4(EVC2):c.3490G>T(E1164*) is expected to be pathogenic in the context of EVC2-related Ellis-van Creveld syndrome. This variant is predicted to lead to an abnormal or absent protein product due to the creation of a premature termination codon in EVC2, a gene where loss-of-function variants are known to be pathogenic. Please note: this variant was assessed in the context of healthy population screening.